The following is an entry in ClinVar:

NM_004629.2(FANCG):c.1406A>C (p.Gln469Pro)

Gene: FANCG (FA complementation group G; minus strand). Cytogenetic location: 9p13.3.
Variant type: single nucleotide variant.
Coding change: c.1406A>C on transcript NM_004629.2 (MANE Select); coding-DNA position 1406, A replaced by C.
Protein change: p.Gln469Pro; replaces glutamine 469 with proline.
Molecular consequence: missense variant.
Genome position (GRCh38, 1-based): chr9:35,075,492, T>G on the plus strand (A>C on the coding strand, the complement: FANCG is on the minus strand). VCF-style: chr9-35075492-T-G. GRCh37 (hg19) VCF-style: chr9-35075489-T-G.
Other names: short protein forms Q469P.
Identifiers: ClinVar variation 3848369 (VCV003848369.1).

ClinVar aggregate classification (germline): Uncertain significance (1 of 4 stars; one submission).

Conditions:
Inborn genetic diseases. Identifiers: MedGen C0950123, MeSH D030342.

gnomAD v4.1: 29 of 1,613,974 alleles (0.0018%); highest among the groups gnomAD compares: Non-Finnish European, 0.0013%; no homozygotes.

Submission:

Ambry Genetics
Classification: Uncertain significance for Inborn genetic diseases. Last evaluated: 2024-12-14. Review status: criteria provided, single submitter. Criteria: Ambry Variant Classification Scheme 2023. Collection method: clinical testing. Allele origin: germline.
Comment: The p.Q469P variant (also known as c.1406A>C), located in coding exon 10 of the FANCG gene, results from an A to C substitution at nucleotide position 1406. The glutamine at codon 469 is replaced by proline, an amino acid with similar properties. This amino acid position is conserved. In addition, this alteration is predicted to be tolerated by in silico analysis. Based on the available evidence, the clinical significance of this variant remains unclear.